The following is an entry in ClinVar:

ClinVar aggregate classification (germline): Likely benign (1 of 4 stars; one submission).

Allele frequency attached by ClinVar (database versions not stated): gnomAD 0.00001.

Submission:

CeGaT Center for Human Genetics Tuebingen
Classification: Likely benign. Last evaluated: 2023-11-01. Review status: criteria provided, single submitter. Criteria: CeGaT Center For Human Genetics Tuebingen Variant Classification Criteria Version 2. Collection method: clinical testing. Allele origin: germline. Affected: yes. Observed: 1 variant allele.
Comment: MUC4: BP4, BP7

NM_018406.7(MUC4):c.12657A>C (p.Thr4219=)

Genes: MUC4 (mucin 4, cell surface associated), LOC126806930 (BRD4-independent group 4 enhancer GRCh37_chr3:195505212-195506411). Cytogenetic location: 3q29.
Variant type: single nucleotide variant.
Coding change: c.12657A>C on transcript NM_018406.7 (MANE Select); coding-DNA position 12657, A replaced by C.
Protein change: p.Thr4219=; no amino-acid change (threonine 4219 retained).
Molecular consequence: synonymous variant. On other transcripts: genic upstream transcript variant (2).
Genome position (GRCh38, 1-based): chr3:195,778,923, T>G on the plus strand (A>C on the coding strand, the complement: MUC4 is on the minus strand). VCF-style: chr3-195778923-T-G. GRCh37 (hg19) VCF-style: chr3-195505794-T-G.
Other names: c.18675A>C, p.Thr6225= (NM_001322468.1); c.83-4618A>C (NM_138297.5); c.83-468A>C (NM_004532.6).
Identifiers: ClinVar variation 2672971 (VCV002672971.23), dbSNP rs1333831368, ClinGen allele CA438034895.
Genomic context (GRCh38, chr3:195,778,923, plus strand): 5'-GGTGGCGTGACCTGTGGATACTGAGGAAAGGCTGGTGACAGGAAGAGGGGTGGCGTGACC[T>G]GTGGATGCTGAGGAAGTGTCGGTGACAGGAAGAGGGGTGGCGTGACCTGTGGATGCTGAG-3'
Protein context (NP_060876.5, residues 4209-4229): LPVTDTSSAS[Thr4219=]GHATPLPVTS